The following is an entry in ClinVar:

NM_006073.4(TRDN):c.1888C>T (p.His630Tyr)

Gene: TRDN (triadin; minus strand). Cytogenetic location: 6q22.31.
Variant type: single nucleotide variant.
Coding change: c.1888C>T on transcript NM_006073.4 (MANE Select); coding-DNA position 1888, C replaced by T.
Protein change: p.His630Tyr; replaces histidine 630 with tyrosine.
Molecular consequence: missense variant.
Genome position (GRCh38, 1-based): chr6:123,255,885, G>A on the plus strand (C>T on the coding strand, the complement: TRDN is on the minus strand). VCF-style: chr6-123255885-G-A. GRCh37 (hg19) VCF-style: chr6-123577030-G-A.
Other names: short protein forms H630Y.
Identifiers: ClinVar variation 1782012 (VCV001782012.2), dbSNP rs1232183760, ClinGen allele CA365562325.

ClinVar aggregate classification (germline): Uncertain significance (1 of 4 stars; one submission).

Conditions:
Cardiovascular phenotype. Identifiers: MedGen CN230736.

Submission:

Ambry Genetics
Classification: Uncertain significance for Cardiovascular phenotype. Last evaluated: 2020-10-02. Review status: criteria provided, single submitter. Criteria: Ambry Variant Classification Scheme 2023. Collection method: clinical testing. Allele origin: germline.
Comment: The p.H630Y variant (also known as c.1888C>T), located in coding exon 36 of the TRDN gene, results from a C to T substitution at nucleotide position 1888. The histidine at codon 630 is replaced by tyrosine, an amino acid with similar properties. This amino acid position is well conserved in available vertebrate species. In addition, this alteration is predicted to be tolerated by in silico analysis. Since supporting evidence is limited at this time, the clinical significance of this alteration remains unclear.